The following is an entry in ClinVar:

ClinVar aggregate classification (germline): Uncertain significance. Review status: criteria provided, multiple submitters, no conflicts (2 of 4 stars). 2 submissions from 2 submitters: Uncertain significance (2). Last evaluated 2024-09-20.

Conditions:
Inborn genetic diseases. Identifiers: MedGen C0950123, MeSH D030342.

gnomAD v4.1: 22 of 1,612,792 alleles (0.0014%); highest among the groups gnomAD compares: Non-Finnish European, 0.0018%; no homozygotes.

Submissions (2):

Ambry Genetics
Classification: Uncertain significance for Inborn genetic diseases. Last evaluated: 2024-09-20. Review status: criteria provided, single submitter. Criteria: Ambry Variant Classification Scheme 2023. Collection method: clinical testing. Allele origin: germline.

GeneDx
Classification: Uncertain significance. Last evaluated: 2023-04-14. Review status: criteria provided, single submitter. Criteria: GeneDx Variant Classification Process June 2021. Collection method: clinical testing. Allele origin: germline. Affected: yes.
Comment: Not observed at significant frequency in large population cohorts (gnomAD); In silico analysis supports that this missense variant does not alter protein structure/function; Has not been previously published as pathogenic or benign to our knowledge

NM_176787.5(PIGN):c.2699C>G (p.Ser900Cys)

Gene: PIGN (phosphatidylinositol glycan anchor biosynthesis class N; minus strand). Cytogenetic location: 18q21.33.
Variant type: single nucleotide variant.
Coding change: c.2699C>G on transcript NM_176787.5 (MANE Select); coding-DNA position 2699, C replaced by G.
Protein change: p.Ser900Cys; replaces serine 900 with cysteine.
Molecular consequence: missense variant.
Genome position (GRCh38, 1-based): chr18:62,045,953, G>C on the plus strand (C>G on the coding strand, the complement: PIGN is on the minus strand). VCF-style: chr18-62045953-G-C. GRCh37 (hg19) VCF-style: chr18-59713186-G-C.
Other names: c.2699C>G, p.Ser900Cys (NM_012327.6); short protein forms S900C.
Identifiers: ClinVar variation 2661953 (VCV002661953.2), dbSNP rs2144985709, ClinGen allele CA402723338.